The following is an entry in ClinVar:

ClinVar aggregate classification (germline): Uncertain significance (1 of 4 stars; one submission).

Conditions:
Cystic fibrosis (CF). Also called: MUCOVISCIDOSIS. Identifiers: Orphanet 586, MedGen C0010674, MONDO:0009061, OMIM 219700. Disease mechanism: loss of function.

gnomAD v4.1: 1 of 1,600,878 alleles (0.000062%); highest among the groups gnomAD compares: South Asian, 0.0011%; no homozygotes.

Submission:

Ambry Genetics
Classification: Uncertain significance for Cystic fibrosis. Last evaluated: 2022-05-09. Review status: criteria provided, single submitter. Criteria: Ambry Variant Classification Scheme 2023. Collection method: clinical testing. Allele origin: germline.
Comment: The p.P1050T variant (also known as c.3148C>A), located in coding exon 20 of the CFTR gene, results from a C to A substitution at nucleotide position 3148. The proline at codon 1050 is replaced by threonine, an amino acid with highly similar properties. This amino acid position is conserved. In addition, this alteration is predicted to be deleterious by in silico analysis. Since supporting evidence is limited at this time, the clinical significance of this alteration remains unclear.

NM_000492.4(CFTR):c.3148C>A (p.Pro1050Thr)

Genes: CFTR (CF transmembrane conductance regulator; plus strand), CFTR-AS2 (CFTR antisense RNA 2; minus strand), LOC111674472 (DNase I hypersensitive sites in introns 16 and 17a of CFTR; plus strand). Cytogenetic location: 7q31.2.
Variant type: single nucleotide variant.
Coding change: c.3148C>A on transcript NM_000492.4 (MANE Select); coding-DNA position 3148, C replaced by A.
Protein change: p.Pro1050Thr; replaces proline 1050 with threonine.
Molecular consequence: missense variant.
Genome position (GRCh38, 1-based): chr7:117,611,589, C>A. VCF-style: chr7-117611589-C-A. GRCh37 (hg19) VCF-style: chr7-117251643-C-A.
Other names: short protein forms P1050T.
Identifiers: ClinVar variation 1728142 (VCV001728142.2), dbSNP rs370430187, ClinGen allele CA368991766.
Genomic context (GRCh38, chr7:117,611,589, plus strand): 5'-TACATTTTGTGTTTATGTTATTTGCAATGTTTTCTATGGAAATATTTCACAGGCAGGAGT[C>A]CAATTTTCACTCATCTTGTTACAAGCTTAAAAGGACTATGGACACTTCGTGCCTTCGGAC-3'
Protein context (NP_000483.3, residues 1040-1060): LKQLESEGRS[Pro1050Thr]IFTHLVTSLK